The following is an entry in ClinVar:

ClinVar aggregate classification (germline): Likely benign. Review status: criteria provided, multiple submitters, no conflicts (2 of 4 stars). 2 submissions from 2 submitters: Likely benign (2). Last evaluated 2025-11-02.

Allele frequency attached by ClinVar (database versions not stated): ExAC 0.00004; gnomAD 0.00005; gnomAD exomes 0.00005; TOPMed 0.00006; ESP Exome Variant Server 0.00008.
gnomAD v4.1: 79 of 1,613,228 alleles (0.0049%); highest among the groups gnomAD compares: Non-Finnish European, 0.0052%; no homozygotes.

Submissions (2):

Labcorp Genetics (formerly Invitae), Labcorp
Classification: Likely benign. Last evaluated: 2025-11-02. Review status: criteria provided, single submitter. Criteria: Invitae Variant Classification Sherloc (09022015). Collection method: clinical testing. Allele origin: germline.

CeGaT Center for Human Genetics Tuebingen
Classification: Likely benign. Last evaluated: 2022-08-01. Review status: criteria provided, single submitter. Criteria: CeGaT Center For Human Genetics Tuebingen Variant Classification Criteria Version 2. Collection method: clinical testing. Allele origin: germline. Affected: yes. Observed: 1 variant allele.
Comment: ALPK1: BP4, BP7

NM_025144.4(ALPK1):c.831C>T (p.Ser277=)

Gene: ALPK1 (alpha kinase 1; plus strand). Cytogenetic location: 4q25.
Variant type: single nucleotide variant.
Coding change: c.831C>T on transcript NM_025144.4 (MANE Select); coding-DNA position 831, C replaced by T.
Protein change: p.Ser277=; no amino-acid change (serine 277 retained).
Molecular consequence: synonymous variant.
Genome position (GRCh38, 1-based): chr4:112,429,184, C>T. VCF-style: chr4-112429184-C-T. GRCh37 (hg19) VCF-style: chr4-113350340-C-T.
Other names: c.831C>T, p.Ser277= (NM_001102406.2); c.597C>T, p.Ser199= (NM_001253884.2).
Identifiers: ClinVar variation 2144420 (VCV002144420.28), dbSNP rs139829354, ClinGen allele CA3046579.
Genomic context (GRCh38, chr4:112,429,184, plus strand): 5'-CACTTAGCCTCCTGTTTTCTCACAGAGCCTGCTGAAGGAGTTTGACCACCATTTGCTGTC[C>T]GCTGCAGAAGCCTGCAAGCTGGCAGCTGCCTTCAGTGCCTATACGCCGCTCTTCGTGCTC-3'
Protein context (NP_079420.3, residues 267-287): LLKEFDHHLL[Ser277=]AAEACKLAAA